The following is an entry in ClinVar:

NM_002878.4(RAD51D):c.957G>T (p.Gln319His)

Genes: RAD51D (RAD51 paralog D; minus strand), RAD51L3-RFFL (RAD51L3-RFFL readthrough; minus strand). Cytogenetic location: 17q12.
Variant type: single nucleotide variant.
Coding change: c.957G>T on transcript NM_002878.4 (MANE Select); coding-DNA position 957, G replaced by T.
Protein change: p.Gln319His; replaces glutamine 319 with histidine.
Molecular consequence: missense variant. On other transcripts: non-coding transcript variant (2).
Genome position (GRCh38, 1-based): chr17:35,100,983, C>A on the plus strand (G>T on the coding strand, the complement: RAD51D is on the minus strand). VCF-style: chr17-35100983-C-A. GRCh37 (hg19) VCF-style: chr17-33428002-C-A.
Other names: c.1017G>T, p.Gln339His (NM_001142571.2); c.621G>T, p.Gln207His (NM_133629.3); short protein forms Q207H, Q319H, Q339H.
Identifiers: ClinVar variation 1018277 (VCV001018277.5), dbSNP rs147669627, ClinGen allele CA399086084.

ClinVar aggregate classification (germline): Uncertain significance (1 of 4 stars; one submission).

Conditions:
Breast-ovarian cancer, familial, susceptibility to, 4. Identifiers: Orphanet 145, MedGen C3280345, MONDO:0013669, OMIM 614291.

Submission:

Labcorp Genetics (formerly Invitae), Labcorp
Classification: Uncertain significance for Breast-ovarian cancer, familial, susceptibility to, 4. Last evaluated: 2022-03-05. Review status: criteria provided, single submitter. Criteria: Invitae Variant Classification Sherloc (09022015). Collection method: clinical testing. Allele origin: germline.
Comment: In summary, the available evidence is currently insufficient to determine the role of this variant in disease. Therefore, it has been classified as a Variant of Uncertain Significance. Algorithms developed to predict the effect of missense changes on protein structure and function (SIFT, PolyPhen-2, Align-GVGD) all suggest that this variant is likely to be tolerated. ClinVar contains an entry for this variant (Variation ID: 1018277). This variant has not been reported in the literature in individuals affected with RAD51D-related conditions. This variant is not present in population databases (gnomAD no frequency). This sequence change replaces glutamine, which is neutral and polar, with histidine, which is basic and polar, at codon 319 of the RAD51D protein (p.Gln319His).